The following is an entry in ClinVar:

NM_006133.3(DAGLA):c.96G>A (p.Trp32Ter)

Gene: DAGLA (diacylglycerol lipase alpha; plus strand). Cytogenetic location: 11q12.2.
Variant type: single nucleotide variant.
Coding change: c.96G>A on transcript NM_006133.3 (MANE Select); coding-DNA position 96, G replaced by A.
Protein change: p.Trp32Ter; replaces tryptophan 32 with a stop codon.
Molecular consequence: nonsense.
Genome position (GRCh38, 1-based): chr11:61,720,679, G>A. VCF-style: chr11-61720679-G-A. GRCh37 (hg19) VCF-style: chr11-61488151-G-A.
Other names: short protein forms W32*.
Identifiers: ClinVar variation 3367730 (VCV003367730.1).
Genomic context (GRCh38, chr11:61,720,679, plus strand): 5'-AGTAGCATCTCGAGGTACAGGGGCCACCTGGCCTTGCTCACACGGGCGTTCCTGTGACAG[G>A]TTTGTGATCCTGTCCGTGGTGCTCTTCGGCCTGGTCTATAACCCGCACGAGGCCTGCTCC-3'

ClinVar aggregate classification (germline): Uncertain significance (1 of 4 stars; one submission).

Submission:

GeneDx
Classification: Uncertain significance. Last evaluated: 2024-01-10. Review status: criteria provided, single submitter. Criteria: GeneDx Variant Classification Process June 2021. Collection method: clinical testing. Allele origin: germline. Affected: yes.
Comment: Not observed at significant frequency in large population cohorts (gnomAD); Nonsense variant predicted to result in protein truncation or nonsense mediated decay in a gene or region of a gene for which loss of function is not a well-established mechanism of disease; Has not been previously published as pathogenic or benign to our knowledge